The following is an entry in ClinVar:

NM_001378328.1(CELSR1):c.6348T>C (p.Asn2116=)

Gene: CELSR1 (cadherin EGF LAG seven-pass G-type receptor 1; minus strand). Cytogenetic location: 22q13.31.
Variant type: single nucleotide variant.
Coding change: c.6348T>C on transcript NM_001378328.1 (MANE Select); coding-DNA position 6348, T replaced by C.
Protein change: p.Asn2116=; no amino-acid change (asparagine 2116 retained).
Molecular consequence: synonymous variant.
Genome position (GRCh38, 1-based): chr22:46,389,497, A>G on the plus strand (T>C on the coding strand, the complement: CELSR1 is on the minus strand). VCF-style: chr22-46389497-A-G. GRCh37 (hg19) VCF-style: chr22-46785394-A-G.
Other names: c.6348T>C, p.Asn2116= (NM_014246.4).
Identifiers: ClinVar variation 2653322 (VCV002653322.25), dbSNP rs375420509, ClinGen allele CA10293811.

ClinVar aggregate classification (germline): Likely benign. Review status: criteria provided, multiple submitters, no conflicts (2 of 4 stars). 2 submissions from 2 submitters: Likely benign (2). Last evaluated 2024-11-01.

Allele frequency attached by ClinVar (database versions not stated): 1000 Genomes Project 0.00020; 1000 Genomes Project 30x 0.00031; ESP Exome Variant Server 0.00046.
gnomAD v4.1: 611 of 1,613,182 alleles (0.038%); highest among the groups gnomAD compares: Middle Eastern, 0.54%; 2 homozygotes.

Submissions (2):

Blueprint Genetics
Classification: Likely benign. Last evaluated: 2024-11-01. Review status: criteria provided, single submitter. Criteria: ACMG Guidelines, 2015. Collection method: clinical testing. Allele origin: germline.

CeGaT Center for Human Genetics Tuebingen
Classification: Likely benign. Last evaluated: 2023-02-01. Review status: criteria provided, single submitter. Criteria: CeGaT Center For Human Genetics Tuebingen Variant Classification Criteria Version 2. Collection method: clinical testing. Allele origin: germline. Affected: yes. Observed: 1 variant allele.
Comment: CELSR1: BP4, BP7